The following is an entry in ClinVar:

ClinVar aggregate classification (germline): Conflicting classifications of pathogenicity. Review status: criteria provided, conflicting classifications (1 of 4 stars). 2 submissions from 2 submitters: Uncertain significance (1); Likely benign (1). Last evaluated 2024-02-09.

Conditions:
Autosomal recessive cerebellar ataxia-saccadic intrusion syndrome. Also called: VPS13D Movement Disorder; SPINOCEREBELLAR ATAXIA 24. Identifiers: Orphanet 95434, MedGen C1846492, MONDO:0011811, OMIM 607317.

gnomAD v4.1: 9 of 1,579,180 alleles (0.00057%); highest among the groups gnomAD compares: Non-Finnish European, 0.00069%; no homozygotes.

Submissions (2):

Blueprint Genetics
Classification: Likely benign. Last evaluated: 2024-02-09. Review status: criteria provided, single submitter. Criteria: ACMG Guidelines, 2015. Collection method: clinical testing. Allele origin: germline.

Baylor Genetics
Classification: Uncertain significance for Autosomal recessive cerebellar ataxia-saccadic intrusion syndrome. Last evaluated: 2020-06-09. Review status: criteria provided, single submitter. Criteria: ACMG Guidelines, 2015. Collection method: clinical testing. Allele origin: unknown. Affected: yes.
Comment: This variant was determined to be of uncertain significance according to ACMG Guidelines, 2015 [PMID:25741868].

NM_015378.4(VPS13D):c.4451-16A>G

Gene: VPS13D (vacuolar protein sorting 13 homolog D; plus strand). Cytogenetic location: 1p36.22.
Variant type: single nucleotide variant.
Coding change: c.4451-16A>G on transcript NM_015378.4 (MANE Select); 16 bases into the intron before coding-DNA position 4451, A replaced by G.
Molecular consequence: intron variant.
Genome position (GRCh38, 1-based): chr1:12,279,483, A>G. VCF-style: chr1-12279483-A-G. GRCh37 (hg19) VCF-style: chr1-12339540-A-G.
Other names: c.4451-16A>G (NM_018156.4).
Identifiers: ClinVar variation 1029393 (VCV001029393.2), dbSNP rs768036528, ClinGen allele CA18044448.
Genomic context (GRCh38, chr1:12,279,483, plus strand): 5'-ATATTCTACGTTTAATCAGCAGTAATGAAGTAAATATTAAGGTTTATGGTCTATCATTTC[A>G]TCTCTTTTATGCCAGCTTTTCACATCCTGAACAACACCACCATTCAGTTTAAACTGGAGA-3'